The following is an entry in ClinVar:

NM_033004.4(NLRP1):c.4324G>T (p.Asp1442Tyr)

Gene: NLRP1 (NLR family pyrin domain containing 1; minus strand). Cytogenetic location: 17p13.2.
Variant type: single nucleotide variant.
Coding change: c.4324G>T on transcript NM_033004.4 (MANE Select); coding-DNA position 4324, G replaced by T.
Protein change: p.Asp1442Tyr; replaces aspartic acid 1442 with tyrosine.
Molecular consequence: missense variant. On other transcripts: intron variant (1).
Genome position (GRCh38, 1-based): chr17:5,514,852, C>A on the plus strand (G>T on the coding strand, the complement: NLRP1 is on the minus strand). VCF-style: chr17-5514852-C-A. GRCh37 (hg19) VCF-style: chr17-5418172-C-A.
Other names: c.4192G>T, p.Asp1398Tyr (NM_014922.5); c.4234G>T, p.Asp1412Tyr (NM_033006.4); c.4102G>T, p.Asp1368Tyr (NM_033007.4); c.4069+2894G>T (NM_001033053.3); short protein forms D1398Y, D1368Y, D1412Y, D1442Y.
Identifiers: ClinVar variation 3643023 (VCV003643023.2).

ClinVar aggregate classification (germline): Uncertain significance (1 of 4 stars; one submission).

Submission:

Labcorp Genetics (formerly Invitae), Labcorp
Classification: Uncertain significance. Last evaluated: 2024-02-24. Review status: criteria provided, single submitter. Criteria: Invitae Variant Classification Sherloc (09022015). Collection method: clinical testing. Allele origin: germline.
Comment: This sequence change replaces aspartic acid, which is acidic and polar, with tyrosine, which is neutral and polar, at codon 1442 of the NLRP1 protein (p.Asp1442Tyr). This variant is not present in population databases (gnomAD no frequency). This variant has not been reported in the literature in individuals affected with NLRP1-related conditions. An algorithm developed to predict the effect of missense changes on protein structure and function (PolyPhen-2) suggests that this variant is likely to be disruptive. In summary, the available evidence is currently insufficient to determine the role of this variant in disease. Therefore, it has been classified as a Variant of Uncertain Significance.